The following is an entry in ClinVar:

ClinVar aggregate classification (germline): Uncertain significance (1 of 4 stars; one submission).

Conditions:
Acute myeloid leukemia (AML). Also called: Leukemia, acute myeloid, somatic; Leukemia, acute myelogenous, somatic; Acute myeloid leukemia, adult; AML adult; Acute non-lymphocytic leukemia; Acute granulocytic leukemia. Identifiers: Orphanet 519, MedGen C0023467, MeSH D015470, MONDO:0018874, OMIM 601626, HP:0004808. Disease mechanism: Constitutively activated FLT3.

Allele frequency attached by ClinVar (database versions not stated): gnomAD exomes below 0.00001; TOPMed below 0.00001; gnomAD 0.00001.

Submission:

Labcorp Genetics (formerly Invitae), Labcorp
Classification: Uncertain significance for Acute myeloid leukemia. Last evaluated: 2023-07-10. Review status: criteria provided, single submitter. Criteria: Invitae Variant Classification Sherloc (09022015). Collection method: clinical testing. Allele origin: germline.
Comment: In summary, the available evidence is currently insufficient to determine the role of this variant in disease. Therefore, it has been classified as a Variant of Uncertain Significance. Advanced modeling of protein sequence and biophysical properties (such as structural, functional, and spatial information, amino acid conservation, physicochemical variation, residue mobility, and thermodynamic stability) performed at Invitae indicates that this missense variant is not expected to disrupt CEBPA protein function. ClinVar contains an entry for this variant (Variation ID: 1400658). This variant has not been reported in the literature in individuals affected with CEBPA-related conditions. This variant is not present in population databases (gnomAD no frequency). This sequence change replaces alanine, which is neutral and non-polar, with valine, which is neutral and non-polar, at codon 44 of the CEBPA protein (p.Ala44Val).

NM_004364.5(CEBPA):c.131C>T (p.Ala44Val)

Gene: CEBPA (CCAAT enhancer binding protein alpha; minus strand). Cytogenetic location: 19q13.11.
Variant type: single nucleotide variant.
Coding change: c.131C>T on transcript NM_004364.5 (MANE Select); coding-DNA position 131, C replaced by T.
Protein change: p.Ala44Val; replaces alanine 44 with valine.
Molecular consequence: missense variant. On other transcripts: 5 prime UTR variant (1).
Genome position (GRCh38, 1-based): chr19:33,302,284, G>A on the plus strand (C>T on the coding strand, the complement: CEBPA is on the minus strand). VCF-style: chr19-33302284-G-A. GRCh37 (hg19) VCF-style: chr19-33793190-G-A.
Other names: c.-227C>T (NM_001285829.2); c.236C>T, p.Ala79Val (NM_001287424.2); c.89C>T, p.Ala30Val (NM_001287435.2); short protein forms A79V, A30V, A44V.
Identifiers: ClinVar variation 1400658 (VCV001400658.6), dbSNP rs1967197829, ClinGen allele CA405275610.